The following is an entry in ClinVar:

NM_001384140.1(PCDH15):c.5157G>A (p.Gln1719=)

Gene: PCDH15 (protocadherin related 15; minus strand). Cytogenetic location: 10q21.1.
Variant type: single nucleotide variant.
Coding change: c.5157G>A on transcript NM_001384140.1 (MANE Select); coding-DNA position 5157, G replaced by A.
Protein change: p.Gln1719=; no amino-acid change (glutamine 1719 retained).
Molecular consequence: synonymous variant.
Genome position (GRCh38, 1-based): chr10:53,806,645, C>T on the plus strand (G>A on the coding strand, the complement: PCDH15 is on the minus strand). VCF-style: chr10-53806645-C-T. GRCh37 (hg19) VCF-style: chr10-55566405-C-T.
Other names: c.4983G>A, p.Gln1661= (NM_001142771.2); c.4968G>A, p.Gln1656= (NM_001142772.2); c.4962G>A, p.Gln1654= (NM_001354420.2); c.5091G>A, p.Gln1697= (NM_001354429.2).
Identifiers: ClinVar variation 4979798 (VCV004979798.1).

ClinVar aggregate classification (germline): Likely benign (1 of 4 stars; one submission).

Conditions:
PCDH15-related disorder. Also called: PCDH15-related condition; PCDH15-related disorders.

gnomAD v4.1: 8 of 1,613,622 alleles (0.0005%); highest among the groups gnomAD compares: African/African-American, 0.0027%; no homozygotes.

Submission:

PreventionGenetics, part of Exact Sciences
Classification: Likely benign for PCDH15-related condition. Last evaluated: 2025-09-21. Review status: criteria provided, single submitter. Criteria: ACMG Guidelines, 2015. Collection method: clinical testing. Allele origin: germline.
Comment: This variant is classified as likely benign based on ACMG/AMP sequence variant interpretation guidelines (Richards et al. 2015 PMID: 25741868, with internal and published modifications).